The following is an entry in ClinVar:

NM_004999.4(MYO6):c.1704del (p.His568fs)

Gene: MYO6 (myosin VI; plus strand). Cytogenetic location: 6q14.1.
Variant type: Deletion.
Coding change: c.1704del on transcript NM_004999.4 (MANE Select); coding-DNA position 1704, one base deleted (T; older notation c.1704delT).
Protein change: p.His568fs; shifts the reading frame from histidine 568.
Molecular consequence: frameshift variant. On other transcripts: non-coding transcript variant (1).
Genome position (GRCh38, 1-based): chr6:75,866,555, T deleted. VCF-style (leftmost placement, unchanged base first): chr6-75866554-AT-A. GRCh37 (hg19) VCF-style: chr6-76576271-AT-A.
Other names: c.1704del, p.His568fs (NM_001300899.2, NM_001368136.1, NM_001368137.1 and 2 more transcripts); c.1689del, p.His563fs (NM_001368138.1); short protein forms H568fs, H563fs.
Identifiers: ClinVar variation 4712961 (VCV004712961.1).

ClinVar aggregate classification (germline): Pathogenic (1 of 4 stars; one submission).

Submission:

Labcorp Genetics (formerly Invitae), Labcorp
Classification: Pathogenic. Last evaluated: 2025-02-19. Review status: criteria provided, single submitter. Criteria: Invitae Variant Classification Sherloc (09022015). Collection method: clinical testing. Allele origin: germline.
Comment: This sequence change creates a premature translational stop signal (p.His568Glnfs*41) in the MYO6 gene. It is expected to result in an absent or disrupted protein product. Loss-of-function variants in MYO6 are known to be pathogenic (PMID: 12687499, 18348273, 23767834, 25999546, 30582396). This variant is not present in population databases (gnomAD no frequency). This variant has not been reported in the literature in individuals affected with MYO6-related conditions. For these reasons, this variant has been classified as Pathogenic.

Literature cited by the submitters: PubMed 12687499; PubMed 18348273; PubMed 23767834; PubMed 25999546; PubMed 30582396.